The following is an entry in ClinVar:

NM_053025.4(MYLK):c.1763C>G (p.Ala588Gly)

Gene: MYLK (myosin light chain kinase; minus strand). Cytogenetic location: 3q21.1.
Variant type: single nucleotide variant.
Coding change: c.1763C>G on transcript NM_053025.4 (MANE Select); coding-DNA position 1763, C replaced by G.
Protein change: p.Ala588Gly; replaces alanine 588 with glycine.
Molecular consequence: missense variant.
Genome position (GRCh38, 1-based): chr3:123,722,169, G>C on the plus strand (C>G on the coding strand, the complement: MYLK is on the minus strand). VCF-style: chr3-123722169-G-C. GRCh37 (hg19) VCF-style: chr3-123441016-G-C.
Other names: c.1235C>G, p.Ala412Gly (NM_001321309.2); c.1556C>G, p.Ala519Gly (NM_053026.4, NM_053028.4); c.1763C>G, p.Ala588Gly (NM_053027.4); short protein forms A588G, A412G, A519G.
Identifiers: ClinVar variation 4827350 (VCV004827350.1).
Genomic context (GRCh38, chr3:123,722,169, plus strand): 5'-GGTGCCCAGAGGCTCCTACCATGGACGGTGACCCAGGCGCTGCAGGACACCTGCCCCAAG[G>C]CATTCTCAGCTAGGCAGGTGTAGGTGCCATGGTCCTCCGGCAGGGCATCCTGGATGTGGA-3'
Protein context (NP_444253.3, residues 578-598): HGTYTCLAEN[Ala588Gly]LGQVSCSAWV

ClinVar aggregate classification (germline): Uncertain significance (1 of 4 stars; one submission).

Conditions:
Familial thoracic aortic aneurysm and aortic dissection (TAAD). Also called: Thoracic aortic aneurysms and dissections. Identifiers: Orphanet 91387, MedGen C4707243, MONDO:0019625.

gnomAD v4.1: 2 of 1,564,744 alleles (0.00013%); highest among the groups gnomAD compares: South Asian, 0.0012%; no homozygotes.

Submission:

Ambry Genetics
Classification: Uncertain significance for Familial thoracic aortic aneurysm and aortic dissection. Last evaluated: 2026-02-22. Review status: criteria provided, single submitter. Criteria: Ambry Variant Classification Scheme 2023. Collection method: clinical testing. Allele origin: germline.
Comment: The p.A588G variant (also known as c.1763C>G), located in coding exon 10 of the MYLK gene, results from a C to G substitution at nucleotide position 1763. The alanine at codon 588 is replaced by glycine, an amino acid with similar properties. This amino acid position is conserved. In addition, this alteration is predicted to be tolerated by in silico analysis. Based on the available evidence, the clinical significance of this variant remains unclear.